The following is an entry in ClinVar:

ClinVar aggregate classification (germline): Likely pathogenic (1 of 4 stars; one submission).

Conditions:
Osteogenesis imperfecta type 8 (OI8). Identifiers: MedGen C1970458, MONDO:0012581, OMIM 610915.

Submission:

Labcorp Genetics (formerly Invitae), Labcorp
Classification: Likely pathogenic for Osteogenesis imperfecta type 8. Last evaluated: 2026-01-04. Review status: criteria provided, single submitter. Criteria: Invitae Variant Classification Sherloc (09022015). Collection method: clinical testing. Allele origin: germline.
Comment: This sequence change affects a donor splice site in intron 12 of the P3H1 gene. It is expected to disrupt RNA splicing. Variants that disrupt the donor or acceptor splice site typically lead to a loss of protein function (PMID: 16199547), and loss-of-function variants in P3H1 are known to be pathogenic (PMID: 17277775, 18566967, 19088120, 22281939). This variant is not present in population databases (gnomAD no frequency). This variant has not been reported in the literature in individuals affected with P3H1-related conditions. Algorithms developed to predict the effect of sequence changes on RNA splicing suggest that this variant may disrupt the consensus splice site. In summary, the currently available evidence indicates that the variant is pathogenic, but additional data are needed to prove that conclusively. Therefore, this variant has been classified as Likely Pathogenic.

Literature cited by the submitters: PubMed 16199547; PubMed 17277775; PubMed 18566967; PubMed 19088120; PubMed 22281939.

NM_022356.4(P3H1):c.1838+1G>T

Gene: P3H1 (prolyl 3-hydroxylase 1; minus strand). Cytogenetic location: 1p34.2.
Variant type: single nucleotide variant.
Coding change: c.1838+1G>T on transcript NM_022356.4 (MANE Select); the canonical splice donor site of the intron after coding-DNA position 1838, G replaced by T.
Molecular consequence: splice donor variant.
Genome position (GRCh38, 1-based): chr1:42,748,199, C>A on the plus strand (G>T on the coding strand, the complement: P3H1 is on the minus strand). VCF-style: chr1-42748199-C-A. GRCh37 (hg19) VCF-style: chr1-43213870-C-A.
Other names: c.1838+1G>T (NM_001146289.2, NM_001243246.2).
Identifiers: ClinVar variation 4762858 (VCV004762858.1).